The following is an entry in ClinVar:

ClinVar aggregate classification (germline): Conflicting classifications of pathogenicity. Review status: criteria provided, conflicting classifications (1 of 4 stars). 2 submissions from 2 submitters: Likely pathogenic (1); Uncertain significance (1). Last evaluated 2025-12-16.

Conditions:
Hereditary cancer-predisposing syndrome. Also called: Neoplastic Syndromes, Hereditary; Tumor predisposition; Hereditary neoplastic syndrome; Hereditary Cancer Syndrome. Identifiers: Orphanet 140162, MedGen C0027672, MeSH D009386, MONDO:0015356.

Submissions (2):

Labcorp Genetics (formerly Invitae), Labcorp
Classification: Likely pathogenic. Last evaluated: 2025-12-16. Review status: criteria provided, single submitter. Criteria: Invitae Variant Classification Sherloc (09022015). Collection method: clinical testing. Allele origin: germline.
Comment: This sequence change affects a donor splice site in intron 24 of the POLE gene. It is expected to disrupt RNA splicing. Variants that disrupt the donor or acceptor splice site typically lead to a loss of protein function (PMID: 16199547), and loss-of-function variants in POLE are known to be pathogenic (PMID: 23230001, 25948378, 30503519). This variant is not present in population databases (gnomAD no frequency). This variant has not been reported in the literature in individuals affected with POLE-related conditions. ClinVar contains an entry for this variant (Variation ID: 2698265). Algorithms developed to predict the effect of sequence changes on RNA splicing suggest that this variant may disrupt the consensus splice site. In summary, the currently available evidence indicates that the variant is pathogenic, but additional data are needed to prove that conclusively. Therefore, this variant has been classified as Likely Pathogenic.

Ambry Genetics
Classification: Uncertain significance for Hereditary cancer-predisposing syndrome. Last evaluated: 2025-05-30. Review status: criteria provided, single submitter. Criteria: Ambry Variant Classification Scheme 2023. Collection method: clinical testing. Allele origin: germline.
Comment: The c.2864+1G>A intronic variant results from a G to A substitution one nucleotide after coding exon 24 of the POLE gene. This nucleotide position is highly conserved in available vertebrate species. In silico splice site analysis predicts that this alteration will weaken the native splice donor site and will result in the creation or strengthening of a novel splice donor site. Alterations that disrupt the canonical splice site are expected to cause aberrant splicing, resulting in an abnormal protein or a transcript that is subject to nonsense-mediated mRNA decay. Although biallelic loss of function of POLE has been associated with autosomal recessive POLE deficiency, haploinsufficiency of POLE has not been established as a mechanism of disease for POLE-related polymerase proofreading-associated polyposis (PPAP) and POLE-related CMMRD-like syndrome. Based on the supporting evidence, this variant is expected to be causative of POLE deficiency when present along with a second pathogenic variant on the other allele; however, its clinical significance for PPAP and POLE-related CMMRD-like syndrome is unclear.

Literature cited by the submitters: PubMed 16199547 (cited by Labcorp Genetics (formerly Invitae), Labcorp); PubMed 23230001 (cited by Labcorp Genetics (formerly Invitae), Labcorp); PubMed 25948378 (cited by Labcorp Genetics (formerly Invitae), Labcorp); PubMed 30503519 (cited by Labcorp Genetics (formerly Invitae), Labcorp).

NM_006231.4(POLE):c.2864+1G>A

Gene: POLE (DNA polymerase epsilon, catalytic subunit; minus strand). Cytogenetic location: 12q24.33.
Variant type: single nucleotide variant.
Coding change: c.2864+1G>A on transcript NM_006231.4 (MANE Select); the canonical splice donor site of the intron after coding-DNA position 2864, G replaced by A.
Molecular consequence: splice donor variant.
Genome position (GRCh38, 1-based): chr12:132,661,526, C>T on the plus strand (G>A on the coding strand, the complement: POLE is on the minus strand). VCF-style: chr12-132661526-C-T. GRCh37 (hg19) VCF-style: chr12-133238112-C-T.
Other names: c.2864+1G>A (NM_006231.2).
Identifiers: ClinVar variation 2698265 (VCV002698265.4), dbSNP rs2135947998, ClinGen allele CA387393518.